The following is an entry in ClinVar:

ClinVar aggregate classification (germline): Uncertain significance (1 of 4 stars; one submission).

Submission:

GeneDx
Classification: Uncertain significance. Last evaluated: 2023-07-13. Review status: criteria provided, single submitter. Criteria: GeneDx Variant Classification Process June 2021. Collection method: clinical testing. Allele origin: germline. Affected: yes.
Comment: Not observed at significant frequency in large population cohorts (gnomAD); Frameshift variant predicted to result in protein truncation or nonsense mediated decay in a gene for which loss-of-function is not a known mechanism of disease; Has not been previously published as pathogenic or benign to our knowledge; Variants in candidate genes are classified as variants of uncertain significance in accordance with ACMG guidelines (Richards et al., 2015)

NM_013450.4(BAZ2B):c.5730dup (p.Gln1911fs)

Gene: BAZ2B (bromodomain adjacent to zinc finger domain 2B; minus strand). Cytogenetic location: 2q24.2.
Variant type: Duplication.
Coding change: c.5730dup on transcript NM_013450.4 (MANE Select); coding-DNA position 5730, one base duplicated (A; older notation c.5730dupA).
Protein change: p.Gln1911fs; shifts the reading frame from glutamine 1911.
Molecular consequence: frameshift variant.
Genome position (GRCh38, 1-based): chr2:159,337,008, T duplicated on the plus strand (A on the coding strand, the reverse complement: BAZ2B is on the minus strand). VCF-style (leftmost placement, unchanged base first): chr2-159337007-G-GT. GRCh37 (hg19) VCF-style: chr2-160193518-G-GT.
Other names: c.5622dup, p.Gln1875fs (NM_001289975.1); c.5673dup, p.Gln1892fs (NM_001329857.2); c.5655dup, p.Gln1886fs (NM_001329858.2); short protein forms Q1875fs, Q1886fs, Q1892fs, Q1911fs.
Identifiers: ClinVar variation 3340961 (VCV003340961.1).